The following is an entry in ClinVar:

ClinVar aggregate classification (germline): Uncertain significance (1 of 4 stars; one submission).

Allele frequency attached by ClinVar (database versions not stated): ExAC 0.00001.

Submission:

Labcorp Genetics (formerly Invitae), Labcorp
Classification: Uncertain significance. Last evaluated: 2022-05-21. Review status: criteria provided, single submitter. Criteria: Invitae Variant Classification Sherloc (09022015). Collection method: clinical testing. Allele origin: germline.
Comment: This variant is present in population databases (rs749826177, gnomAD 0.006%). This sequence change replaces leucine, which is neutral and non-polar, with valine, which is neutral and non-polar, at codon 187 of the RNF31 protein (p.Leu187Val). This variant has not been reported in the literature in individuals affected with RNF31-related conditions. In summary, the available evidence is currently insufficient to determine the role of this variant in disease. Therefore, it has been classified as a Variant of Uncertain Significance. Algorithms developed to predict the effect of missense changes on protein structure and function (SIFT, PolyPhen-2, Align-GVGD) all suggest that this variant is likely to be tolerated.

NM_017999.5(RNF31):c.559C>G (p.Leu187Val)

Gene: RNF31 (ring finger protein 31; plus strand). Cytogenetic location: 14q12.
Variant type: single nucleotide variant.
Coding change: c.559C>G on transcript NM_017999.5 (MANE Select); coding-DNA position 559, C replaced by G.
Protein change: p.Leu187Val; replaces leucine 187 with valine.
Molecular consequence: missense variant.
Genome position (GRCh38, 1-based): chr14:24,148,804, C>G. VCF-style: chr14-24148804-C-G. GRCh37 (hg19) VCF-style: chr14-24618013-C-G.
Other names: c.106C>G, p.Leu36Val (NM_001310332.2); short protein forms L187V, L36V.
Identifiers: ClinVar variation 1997412 (VCV001997412.4), dbSNP rs749826177, ClinGen allele CA7125556.